The following is an entry in ClinVar:

NM_001376.5(DYNC1H1):c.9821_9824del (p.Lys3274fs)

Gene: DYNC1H1 (dynein cytoplasmic 1 heavy chain 1; plus strand). Cytogenetic location: 14q32.31.
Variant type: Deletion.
Coding change: c.9821_9824del on transcript NM_001376.5 (MANE Select); coding-DNA positions 9821 to 9824, 4 bases deleted (AACA; older notation c.9821_9824delAACA).
Protein change: p.Lys3274fs; shifts the reading frame from lysine 3274.
Molecular consequence: frameshift variant.
Genome position (GRCh38, 1-based): chr14:102,030,220-102,030,223, AACA deleted; deleting any 4 consecutive bases within chr14:102,030,217-102,030,223 gives the same sequence; the c. name uses the placement nearest the transcript's 3' end. VCF-style (leftmost placement, unchanged base first): chr14-102030216-GACAA-G. GRCh37 (hg19) VCF-style: chr14-102496553-GACAA-G.
Other names: short protein forms K3274fs.
Identifiers: ClinVar variation 3653332 (VCV003653332.2).
Genomic context (GRCh38, chr14:102,030,216, plus strand): 5'-TTCTAGGTTATGAGCCAAGAAATCCAGGAACAGCTGCATAAGCAGCAGGAGGTAATTGCA[GACAA>G]ACAGATGAGTGTCAAAGAAGATCTTGATAAGGTGGAACCTGCCGTCATTGAGGCCCAGAA-3'

ClinVar aggregate classification (germline): Uncertain significance (1 of 4 stars; one submission).

Conditions:
Charcot-Marie-Tooth disease axonal type 2O. Also called: CHARCOT-MARIE-TOOTH NEUROPATHY, AXONAL, TYPE 2O; CHARCOT-MARIE-TOOTH DISEASE, AXONAL, AUTOSOMAL DOMINANT, TYPE 2O; Charcot-Marie-Tooth Neuropathy Type 2O; Charcot-Marie-Tooth disease, axonal, type 20. Identifiers: Orphanet 284232, MedGen C3280220, MONDO:0013644, OMIM 614228.

Submission:

Labcorp Genetics (formerly Invitae), Labcorp
Classification: Uncertain significance for Charcot-Marie-Tooth disease axonal type 2O. Last evaluated: 2024-05-14. Review status: criteria provided, single submitter. Criteria: Invitae Variant Classification Sherloc (09022015). Collection method: clinical testing. Allele origin: germline.
Comment: This sequence change creates a premature translational stop signal (p.Lys3274Argfs*2) in the DYNC1H1 gene. It is expected to result in an absent or disrupted protein product. However, the current clinical and genetic evidence is not sufficient to establish whether loss-of-function variants in DYNC1H1 cause disease. This variant is not present in population databases (gnomAD no frequency). This variant has not been reported in the literature in individuals affected with DYNC1H1-related conditions. In summary, the available evidence is currently insufficient to determine the role of this variant in disease. Therefore, it has been classified as a Variant of Uncertain Significance.